The following is an entry in ClinVar:

ClinVar aggregate classification (germline): Benign/Likely benign. Review status: criteria provided, multiple submitters, no conflicts (2 of 4 stars). 9 submissions from 9 submitters: Benign (1); Likely benign (7). 1 of the submissions does not count toward it. Last evaluated 2025-12-08.

Conditions:
Familial adenomatous polyposis 1 (FAP1). Also called: FAMILIAL ADENOMATOUS POLYPOSIS 1, ATTENUATED; POLYPOSIS, ADENOMATOUS INTESTINAL. Identifiers: MedGen C2713442, MONDO:0021056, OMIM 175100. Disease mechanism: loss of function.
Classic or attenuated familial adenomatous polyposis. Identifiers: MedGen CN372698, MONDO:0021057.
APC-related disorder. Also called: APC-related condition.
Hereditary cancer-predisposing syndrome. Also called: Hereditary neoplastic syndrome; Tumor predisposition; Neoplastic Syndromes, Hereditary; Hereditary Cancer Syndrome. Identifiers: Orphanet 140162, MedGen C0027672, MeSH D009386, MONDO:0015356.

Allele frequency attached by ClinVar (database versions not stated): TOPMed below 0.00001; ExAC 0.00001; gnomAD exomes 0.00001.
gnomAD v4.1: 3 of 1,614,200 alleles (0.00019%); highest among the groups gnomAD compares: Admixed American, 0.0017%; no homozygotes.

Submissions (9):

Labcorp Genetics (formerly Invitae), Labcorp
Classification: Likely benign for Familial adenomatous polyposis 1. Last evaluated: 2025-12-08. Review status: criteria provided, single submitter. Criteria: Invitae Variant Classification Sherloc (09022015). Collection method: clinical testing. Allele origin: germline.

Myriad Genetics, Inc.
Classification: Benign for Familial adenomatous polyposis 1. Last evaluated: 2024-03-14. Review status: criteria provided, single submitter. Criteria: Myriad Autosomal Dominant, Autosomal Recessive and X-Linked Classification Criteria (2023). Collection method: clinical testing. Allele origin: unknown.
Comment: This variant is considered benign. This variant is a silent/synonymous amino acid change and it is not expected to impact splicing.

CeGaT Center for Human Genetics Tuebingen
Classification: Likely benign. Last evaluated: 2024-03-01. Review status: criteria provided, single submitter. Criteria: CeGaT Center For Human Genetics Tuebingen Variant Classification Criteria Version 2. Collection method: clinical testing. Allele origin: germline. Affected: yes. Observed: 2 variant alleles.
Comment: APC: BP4, BP7

All of Us Research Program, National Institutes of Health
Classification: Likely benign for Classic or attenuated familial adenomatous polyposis. Last evaluated: 2023-04-03. Review status: criteria provided, single submitter. Criteria: ACMG Guidelines, 2015. Collection method: clinical testing. Allele origin: germline. Inheritance: Autosomal dominant inheritance. Observed: 1 variant allele, 1 heterozygote.
Comment: This study involves interpretation of variants in research participants for the purpose of population health screening. Participant phenotype was not available at the time of variant classification. Additional details can be found in publication PMID: 35346344, PMCID: PMC8962531

GeneDx
Classification: Likely benign. Last evaluated: 2020-02-09. Review status: criteria provided, single submitter. Criteria: GeneDx Variant Classification Process June 2021. Collection method: clinical testing. Allele origin: germline. Affected: yes.

Mendelics
Classification: Likely benign for Familial adenomatous polyposis 1. Last evaluated: 2019-05-28. Review status: criteria provided, single submitter. Criteria: Mendelics Assertion Criteria 2017. Collection method: clinical testing. Allele origin: unknown.

Color Diagnostics, LLC DBA Color Health
Classification: Likely benign for Hereditary cancer-predisposing syndrome. Last evaluated: 2018-04-26. Review status: criteria provided, single submitter. Criteria: ACMG Guidelines, 2015. Collection method: clinical testing. Allele origin: germline.

Ambry Genetics
Classification: Likely benign for Hereditary cancer-predisposing syndrome. Last evaluated: 2017-03-30. Review status: criteria provided, single submitter. Criteria: Ambry Variant Classification Scheme 2023. Collection method: clinical testing. Allele origin: germline.

PreventionGenetics, part of Exact Sciences
Classification: Likely benign for APC-related condition. Last evaluated: 2021-11-19. Review status: no assertion criteria provided. Collection method: clinical testing. Allele origin: germline. Not counted in ClinVar's aggregate classification.
Comment: This variant is classified as likely benign based on ACMG/AMP sequence variant interpretation guidelines (Richards et al. 2015 PMID: 25741868, with internal and published modifications).

NM_000038.6(APC):c.2472A>T (p.Pro824=)

Gene: APC (APC regulator of Wnt signaling pathway; plus strand). Cytogenetic location: 5q22.2.
Variant type: single nucleotide variant.
Coding change: c.2472A>T on transcript NM_000038.6 (MANE Select); coding-DNA position 2472, A replaced by T.
Protein change: p.Pro824=; no amino-acid change (proline 824 retained).
Molecular consequence: synonymous variant.
Genome position (GRCh38, 1-based): chr5:112,838,066, A>T. VCF-style: chr5-112838066-A-T. GRCh37 (hg19) VCF-style: chr5-112173763-A-T.
Other names: c.2472A>T, p.Pro824= (NM_001127510.3, NM_001354895.2); c.2418A>T, p.Pro806= (NM_001127511.3); c.2526A>T, p.Pro842= (NM_001354896.2); c.2502A>T, p.Pro834= (NM_001354897.2); c.2397A>T, p.Pro799= (NM_001354898.2); c.2388A>T, p.Pro796= (NM_001354899.2); c.2349A>T, p.Pro783= (NM_001354900.2); c.2295A>T, p.Pro765= (NM_001354901.2); and 5 more.
Identifiers: ClinVar variation 482458 (VCV000482458.51), dbSNP rs746965994, ClinGen allele CA032201.
Genomic context (GRCh38, chr5:112,838,066, plus strand): 5'-TCGACATGATGATAATAGGTCAGACAATTTTAATACTGGCAACATGACTGTCCTTTCACC[A>T]TATTTGAATACTACAGTGTTACCCAGCTCCTCTTCATCAAGAGGAAGCTTAGATAGTTCT-3'
Protein context (NP_000029.2, residues 814-834): FNTGNMTVLS[Pro824=]YLNTTVLPSS